The following is an entry in ClinVar:

ClinVar aggregate classification (germline): Uncertain significance (1 of 4 stars; one submission).

Conditions:
Dilated cardiomyopathy 1JJ (CMD1JJ). Identifiers: Orphanet 154, MedGen C3808935, MONDO:0014095, OMIM 615235.

Allele frequency attached by ClinVar (database versions not stated): gnomAD exomes below 0.00001 and 0.00001; gnomAD 0.00001.
gnomAD v4.1: 9 of 1,613,786 alleles (0.00056%); highest among the groups gnomAD compares: African/African-American, 0.0013%; no homozygotes.

Submission:

Labcorp Genetics (formerly Invitae), Labcorp
Classification: Uncertain significance for Dilated cardiomyopathy 1JJ. Last evaluated: 2022-06-27. Review status: criteria provided, single submitter. Criteria: Invitae Variant Classification Sherloc (09022015). Collection method: clinical testing. Allele origin: germline.
Comment: In summary, the available evidence is currently insufficient to determine the role of this variant in disease. Therefore, it has been classified as a Variant of Uncertain Significance. Algorithms developed to predict the effect of missense changes on protein structure and function are either unavailable or do not agree on the potential impact of this missense change (SIFT: "Deleterious"; PolyPhen-2: "Probably Damaging"; Align-GVGD: "Class C0"). This variant has not been reported in the literature in individuals affected with LAMA4-related conditions. This variant is not present in population databases (gnomAD no frequency). This sequence change replaces arginine, which is basic and polar, with cysteine, which is neutral and slightly polar, at codon 1472 of the LAMA4 protein (p.Arg1472Cys).

NM_001105206.3(LAMA4):c.4435C>T (p.Arg1479Cys)

Gene: LAMA4 (laminin subunit alpha 4; minus strand). Cytogenetic location: 6q21.
Variant type: single nucleotide variant.
Coding change: c.4435C>T on transcript NM_001105206.3 (MANE Select); coding-DNA position 4435, C replaced by T.
Protein change: p.Arg1479Cys; replaces arginine 1479 with cysteine.
Molecular consequence: missense variant.
Genome position (GRCh38, 1-based): chr6:112,122,054, G>A on the plus strand (C>T on the coding strand, the complement: LAMA4 is on the minus strand). VCF-style: chr6-112122054-G-A. GRCh37 (hg19) VCF-style: chr6-112443257-G-A.
Other names: c.4414C>T, p.Arg1472Cys (NM_001105207.3, NM_002290.5); short protein forms R1479C, R1472C.
Identifiers: ClinVar variation 1429249 (VCV001429249.6), dbSNP rs968146909, ClinGen allele CA144883601.